The following is an entry in ClinVar:

NM_006767.4(LZTR1):c.347C>T (p.Ala116Val)

Gene: LZTR1 (leucine zipper like post translational regulator 1; plus strand). Cytogenetic location: 22q11.21.
Variant type: single nucleotide variant.
Coding change: c.347C>T on transcript NM_006767.4 (MANE Select); coding-DNA position 347, C replaced by T.
Protein change: p.Ala116Val; replaces alanine 116 with valine.
Molecular consequence: missense variant.
Genome position (GRCh38, 1-based): chr22:20,987,530, C>T. VCF-style: chr22-20987530-C-T. GRCh37 (hg19) VCF-style: chr22-21341819-C-T.
Other names: short protein forms A116V.
Identifiers: ClinVar variation 1731828 (VCV001731828.35), dbSNP rs1215353050, ClinGen allele CA410779303.

ClinVar aggregate classification (germline): Conflicting classifications of pathogenicity. Review status: criteria provided, conflicting classifications (1 of 4 stars). 8 submissions from 8 submitters: Likely pathogenic (3); Uncertain significance (5). Last evaluated 2026-01-20.

Conditions:
Noonan syndrome 2 (NS2). Identifiers: Orphanet 648, MedGen C1854469, MONDO:0011531, OMIM 605275.
Cardiovascular phenotype. Identifiers: MedGen CN230736.
Hereditary cancer-predisposing syndrome. Also called: Hereditary neoplastic syndrome; Tumor predisposition; Neoplastic Syndromes, Hereditary; Hereditary Cancer Syndrome. Identifiers: Orphanet 140162, MedGen C0027672, MeSH D009386, MONDO:0015356.
LZTR1-related disorder. Also called: LZTR1-related disorders; LZTR1-related condition.

Allele frequency attached by ClinVar (database versions not stated): TOPMed below 0.00001.
gnomAD v4.1: 2 of 1,613,752 alleles (0.00012%); highest among the groups gnomAD compares: East Asian, 0.0022%; no homozygotes.

Submissions (8):

PreventionGenetics, part of Exact Sciences
Classification: Uncertain significance for LZTR1-related condition. Last evaluated: 2026-01-20. Review status: criteria provided, single submitter. Criteria: ACMG Guidelines, 2015. Collection method: clinical testing. Allele origin: germline.
Comment: The LZTR1 c.347C>T variant is predicted to result in the amino acid substitution p.Ala116Val. This variant has been reported in the heterozygous state in an individual with Noonan Syndrome (Ghedira. et al. 2017. doi 10.4172/0974-8369.1000414). However, functional studies indicate this variant does not impact the binding and degradation activity of the protein (Dharmaiah et al. 2025. PubMed ID: 40934300). This variant has not been reported in a large population database, indicating this variant is rare. At this time, the clinical significance of this variant is uncertain due to the absence of conclusive functional and genetic evidence.

Ambry Genetics
Classification: Likely pathogenic for Cardiovascular phenotype; Hereditary cancer-predisposing syndrome. Last evaluated: 2025-06-09. Review status: criteria provided, single submitter. Criteria: Ambry Variant Classification Scheme 2023. Collection method: clinical testing. Allele origin: germline.
Comment: The c.347C>T variant (also known as p.A116V), located in coding exon 4 of the LZTR1 gene, results from a C to T substitution at nucleotide position 347. The alanine at codon 116 is replaced by valine, an amino acid with similar properties. This alteration has been detected in an individual with multiple schwannomas as well as in an individual with features of Noonan syndrome, reportedly in the heterozygous state (Ambry internal data; Ghedira N et al. Biol Med (Aligarh), 2017 9(6)). This variant is considered to be rare based on population cohorts in the Genome Aggregation Database (gnomAD). This nucleotide position is highly conserved in available vertebrate species. In silico splice site analysis predicts that this alteration will not have any significant effect on splicing; however, RNA studies have demonstrated that this alteration results in abnormal splicing in the set of samples tested (Ambry internal data). Based on the supporting evidence, this variant is likely pathogenic for an increased risk of LZTR1-related schwannomatosis (SWN). This alteration is also likely to cause autosomal recessive Noonan syndrome when present along with a second pathogenic variant on the other allele; however, the clinical significance for autosomal dominant Noonan syndrome is unclear.

New York Genome Center
Classification: Uncertain significance for Noonan syndrome 2. Last evaluated: 2024-08-30. Review status: criteria provided, single submitter. Criteria: NYGC Assertion Criteria 2020. Collection method: clinical testing. Allele origin: inherited. Affected: yes. Observed: 1 variant allele, 1 compound heterozygote.
Comment: The heterozygous c.347C>T variant in LZTR1 is deposited in ClinVar by mulitple submitters with conflicting interpretations of pathogenicity including Likely Pathogenic (2) (Variation ID: 1731828) and is reported to have arisen de novo in an individual with Noonan syndrome [PMID: 35840934]. The c.347C>T variant has 0.00000124 allele frequency (2 alleles, 0 homozygotes) in the gnomAD v4.1.0 database, suggesting it is not a common benign variant in the populations represented in that database. The c.347C>T variant in LZTR1 is located in exon 4 of this 21-exon gene, and predicted to replace a highly conserved alanine amino acid with valine at position 116 in the Kelch domain of the encoded protein (UniProt ID: Q8N653). In silico predictions do not suggest a damaging effect for the p.(Ala116Val) variant [REVEL=0.256]; however, there are no functional studies to support or refute these predictions. RNA studies performed by another clinical laboratory which submitted this variant to ClinVar as Likely Pathogenic demonstrated that the c.347C>T variant alters mRNA splicing (internal data, personal communication). Two other missense variants at the same codon, p.(Ala116Asp) and p.(Ala116Gly), have also been deposited in ClinVar (Variation ID:1731821,1285563); p.(Ala116Asp) is deposited as a VUS by 2 submitters and p.(Ala116Gly) is deposited as Likely Pathogenic by 1 submitter. Based on available evidence the c.347C>T, p.(Ala116Val) variant identified in LZTR1 is classified as a Variant of Uncertain Significance.

Labcorp Genetics (formerly Invitae), Labcorp
Classification: Uncertain significance. Last evaluated: 2024-07-24. Review status: criteria provided, single submitter. Criteria: Invitae Variant Classification Sherloc (09022015). Collection method: clinical testing. Allele origin: germline.
Comment: This sequence change replaces alanine, which is neutral and non-polar, with valine, which is neutral and non-polar, at codon 116 of the LZTR1 protein (p.Ala116Val). This variant is not present in population databases (gnomAD no frequency). This missense change has been observed in individual(s) with LZTR1-related conditions (PMID: 35840934). In at least one individual the variant was observed to be de novo. ClinVar contains an entry for this variant (Variation ID: 1731828). Advanced modeling of protein sequence and biophysical properties (such as structural, functional, and spatial information, amino acid conservation, physicochemical variation, residue mobility, and thermodynamic stability) performed at Invitae indicates that this missense variant is not expected to disrupt LZTR1 protein function with a negative predictive value of 80%. In summary, the available evidence is currently insufficient to determine the role of this variant in disease. Therefore, it has been classified as a Variant of Uncertain Significance.

GeneDx
Classification: Likely pathogenic. Last evaluated: 2023-08-23. Review status: criteria provided, single submitter. Criteria: GeneDx Variant Classification Process June 2021. Collection method: clinical testing. Allele origin: germline. Affected: yes.
Comment: Reported as a heterozygous variant in a patient with features suggestive of Noonan syndrome in the published literature; however, a second variant in LZTR1 was not reported (Ghedira et al., 2017); Not observed at significant frequency in large population cohorts (gnomAD); In silico analysis supports that this missense variant has a deleterious effect on protein structure/function

Women's Health and Genetics/Laboratory Corporation of America, LabCorp
Classification: Uncertain significance. Last evaluated: 2023-07-10. Review status: criteria provided, single submitter. Criteria: LabCorp Variant Classification Summary - May 2015. Collection method: clinical testing. Allele origin: germline.
Comment: Variant summary: LZTR1 c.347C>T (p.Ala116Val) results in a non-conservative amino acid change located in the Kelch repeat type 1 (IPR006652) of the encoded protein sequence. Four of five in-silico tools predict a damaging effect of the variant on protein function. The variant was absent in 250768 control chromosomes (gnomAD). The available data on variant occurrences in the general population are insufficient to allow any conclusion about variant significance. c.347C>T has been reported in the literature in at least one individual affected with Noonan Syndrome, where the variant was confirmed to have occured de novo (Farncombe_2022). To our knowledge, no experimental evidence demonstrating an impact on protein function has been reported. The following publication has been ascertained in the context of this evaluation (PMID: 35840934). Two ClinVar submitters have assessed this variant since 2014: both classified the variant as uncertain significance. Based on the evidence outlined above, the variant was classified as VUS-possibly pathogenic.

Blueprint Genetics
Classification: Likely pathogenic for LZTR1-related disorders. Last evaluated: 2023-03-09. Review status: criteria provided, single submitter. Criteria: ACMG Guidelines, 2015. Collection method: clinical testing. Allele origin: germline. Affected: yes. Observed: 1 variant allele.

CeGaT Center for Human Genetics Tuebingen
Classification: Uncertain significance. Last evaluated: 2022-07-01. Review status: criteria provided, single submitter. Criteria: CeGaT Center For Human Genetics Tuebingen Variant Classification Criteria Version 2. Collection method: clinical testing. Allele origin: germline. Affected: yes. Observed: 1 variant allele.
Comment: LZTR1: PM2

Literature cited by the submitters: PubMed 35840934 (cited by 3 submitters).